The following is an entry in ClinVar:

ClinVar aggregate classification (germline): Uncertain significance (1 of 4 stars; one submission).

Conditions:
Mosaic variegated aneuploidy syndrome 1 (MVA1). Also called: Warburton-Anyane-Yeboa syndrome. Identifiers: Orphanet 1052, MedGen C1850343, MONDO:0009759, OMIM 257300.

Allele frequency attached by ClinVar (database versions not stated): gnomAD 0.00001; gnomAD exomes 0.00001; TOPMed 0.00001.
gnomAD v4.1: 13 of 1,613,928 alleles (0.00081%); highest among the groups gnomAD compares: South Asian, 0.0011%; no homozygotes.

Submission:

Labcorp Genetics (formerly Invitae), Labcorp
Classification: Uncertain significance for Mosaic variegated aneuploidy syndrome 1. Last evaluated: 2021-06-28. Review status: criteria provided, single submitter. Criteria: Invitae Variant Classification Sherloc (09022015). Collection method: clinical testing. Allele origin: germline.
Comment: This sequence change replaces arginine with glutamine at codon 224 of the BUB1B protein (p.Arg224Gln). The arginine residue is highly conserved and there is a small physicochemical difference between arginine and glutamine. This variant is not present in population databases (ExAC no frequency). This variant has not been reported in the literature in individuals with BUB1B-related conditions. Algorithms developed to predict the effect of missense changes on protein structure and function are either unavailable or do not agree on the potential impact of this missense change (SIFT: "Deleterious"; PolyPhen-2: "Probably Damaging"; Align-GVGD: "Class C0"). In summary, the available evidence is currently insufficient to determine the role of this variant in disease. Therefore, it has been classified as a Variant of Uncertain Significance.

NM_001211.6(BUB1B):c.671G>A (p.Arg224Gln)

Gene: BUB1B (BUB1 mitotic checkpoint serine/threonine kinase B; plus strand). Cytogenetic location: 15q15.1.
Variant type: single nucleotide variant.
Coding change: c.671G>A on transcript NM_001211.6 (MANE Select); coding-DNA position 671, G replaced by A.
Protein change: p.Arg224Gln; replaces arginine 224 with glutamine.
Molecular consequence: missense variant.
Genome position (GRCh38, 1-based): chr15:40,183,803, G>A. VCF-style: chr15-40183803-G-A. GRCh37 (hg19) VCF-style: chr15-40476004-G-A.
Other names: short protein forms R224Q.
Identifiers: ClinVar variation 1395356 (VCV001395356.8), dbSNP rs760391628, ClinGen allele CA16622068.